The following is an entry in ClinVar:

NM_006180.6(NTRK2):c.1624C>A (p.Pro542Thr)

Gene: NTRK2 (neurotrophic receptor tyrosine kinase 2; plus strand). Cytogenetic location: 9q21.33.
Variant type: single nucleotide variant.
Coding change: c.1624C>A on transcript NM_006180.6 (MANE Select); coding-DNA position 1624, C replaced by A.
Protein change: p.Pro542Thr; replaces proline 542 with threonine.
Molecular consequence: missense variant.
Genome position (GRCh38, 1-based): chr9:84,867,422, C>A. VCF-style: chr9-84867422-C-A. GRCh37 (hg19) VCF-style: chr9-87482337-C-A.
Other names: c.1576C>A, p.Pro526Thr (NM_001018064.3, NM_001018066.3, NM_001369532.1 and 2 more transcripts); c.1624C>A, p.Pro542Thr (NM_001018065.2, NM_001369537.1); c.1540C>A, p.Pro514Thr (NM_001369534.1); c.1108C>A, p.Pro370Thr (NM_001369535.1); c.1156C>A, p.Pro386Thr (NM_001369536.1); short protein forms P370T, P514T, P542T, P386T, P526T.
Identifiers: ClinVar variation 3635821 (VCV003635821.2).
Genomic context (GRCh38, chr9:84,867,422, plus strand): 5'-ACCAAGATCCCTGTCATTGAAAATCCCCAGTACTTTGGCATCACCAACAGTCAGCTCAAG[C>A]CAGACACATGTAAGTACAGCTGTTTGTACTTATTGTCCCATTTGCTGCATAGCTGTATCA-3'
Protein context (NP_006171.2, residues 532-552): YFGITNSQLK[Pro542Thr]DTFVQHIKRH

ClinVar aggregate classification (germline): Uncertain significance (1 of 4 stars; one submission).

Submission:

Labcorp Genetics (formerly Invitae), Labcorp
Classification: Uncertain significance. Last evaluated: 2024-09-06. Review status: criteria provided, single submitter. Criteria: Invitae Variant Classification Sherloc (09022015). Collection method: clinical testing. Allele origin: germline.
Comment: This sequence change replaces proline, which is neutral and non-polar, with threonine, which is neutral and polar, at codon 542 of the NTRK2 protein (p.Pro542Thr). This variant is not present in population databases (gnomAD no frequency). This variant has not been reported in the literature in individuals affected with NTRK2-related conditions. Invitae Evidence Modeling of protein sequence and biophysical properties (such as structural, functional, and spatial information, amino acid conservation, physicochemical variation, residue mobility, and thermodynamic stability) indicates that this missense variant is not expected to disrupt NTRK2 protein function with a negative predictive value of 95%. In summary, the available evidence is currently insufficient to determine the role of this variant in disease. Therefore, it has been classified as a Variant of Uncertain Significance.